The following is an entry in ClinVar:

ClinVar aggregate classification (germline): Uncertain significance (1 of 4 stars; one submission).

Allele frequency attached by ClinVar (database versions not stated): gnomAD exomes below 0.00001; ExAC 0.00001.
gnomAD v4.1: 1 of 1,613,836 alleles (0.000062%); highest among the groups gnomAD compares: Non-Finnish European, 0.000085%; no homozygotes.

Submission:

Labcorp Genetics (formerly Invitae), Labcorp
Classification: Uncertain significance. Last evaluated: 2022-05-29. Review status: criteria provided, single submitter. Criteria: Invitae Variant Classification Sherloc (09022015). Collection method: clinical testing. Allele origin: germline.
Comment: This sequence change falls in intron 8 of the AUTS2 gene. It does not directly change the encoded amino acid sequence of the AUTS2 protein. It affects a nucleotide within the consensus splice site. This variant is present in population databases (rs768557523, gnomAD 0.0009%). This variant has not been reported in the literature in individuals affected with AUTS2-related conditions. Variants that disrupt the consensus splice site are a relatively common cause of aberrant splicing (PMID: 17576681, 9536098). Algorithms developed to predict the effect of sequence changes on RNA splicing suggest that this variant is not likely to affect RNA splicing. In summary, the available evidence is currently insufficient to determine the role of this variant in disease. Therefore, it has been classified as a Variant of Uncertain Significance.

Literature cited by the submitters: PubMed 17576681; PubMed 9536098.

NM_015570.4(AUTS2):c.1468+3A>G

Gene: AUTS2 (activator of transcription and developmental regulator AUTS2; plus strand). Cytogenetic location: 7q11.22.
Variant type: single nucleotide variant.
Coding change: c.1468+3A>G on transcript NM_015570.4 (MANE Select); 3 bases into the intron after coding-DNA position 1468, A replaced by G.
Molecular consequence: intron variant.
Genome position (GRCh38, 1-based): chr7:70,765,008, A>G. VCF-style: chr7-70765008-A-G. GRCh37 (hg19) VCF-style: chr7-70229994-A-G.
Other names: c.1468+3A>G (NM_001127231.3).
Identifiers: ClinVar variation 2000795 (VCV002000795.4), dbSNP rs768557523, ClinGen allele CA4280652.